The following is an entry in ClinVar:

NM_000313.4(PROS1):c.1095T>G (p.Asn365Lys)

Gene: PROS1 (protein S; minus strand). Cytogenetic location: 3q11.1.
Variant type: single nucleotide variant.
Coding change: c.1095T>G on transcript NM_000313.4 (MANE Select); coding-DNA position 1095, T replaced by G.
Protein change: p.Asn365Lys; replaces asparagine 365 with lysine.
Molecular consequence: missense variant.
Genome position (GRCh38, 1-based): chr3:93,892,993, A>C on the plus strand (T>G on the coding strand, the complement: PROS1 is on the minus strand). VCF-style: chr3-93892993-A-C. GRCh37 (hg19) VCF-style: chr3-93611837-A-C.
Other names: c.1191T>G, p.Asn397Lys (NM_001314077.2); short protein forms N365K, N397K.
Identifiers: ClinVar variation 161352 (VCV000161352.12), dbSNP rs199469491, ClinGen allele CA211749.

ClinVar aggregate classification (germline): Conflicting classifications of pathogenicity. Review status: criteria provided, conflicting classifications (1 of 4 stars). 5 submissions from 5 submitters: Uncertain significance (2); Benign (1); Likely benign (1). 1 of the submissions does not count toward it. Last evaluated 2026-07-01.

Conditions:
Thrombophilia due to protein S deficiency, autosomal dominant (THPH5). Identifiers: Orphanet 26349, Orphanet 743, MedGen C3278211, MONDO:0012868, OMIM 612336. Disease mechanism: loss of function.
Thrombophilia due to protein S deficiency, autosomal recessive (THPH6). Identifiers: Orphanet 743, MedGen C3281092, MONDO:0013791, OMIM 614514. Disease mechanism: loss of function.
Protein S deficiency disease. Also called: Protein S deficiency. Identifiers: MedGen C0242666, MeSH D018455, MONDO:0002304.

Allele frequency attached by ClinVar (database versions not stated): TOPMed 0.00014; ESP Exome Variant Server 0.00015; 1000 Genomes Project 30x 0.00047; 1000 Genomes Project 0.00060; gnomAD exomes 0.00069 and 0.00165; gnomAD 0.00145 and 0.00155; ExAC 0.00147.
gnomAD v4.1: 1,245 of 1,613,426 alleles (0.077%); highest among the groups gnomAD compares: East Asian, 0.022%; 10 homozygotes.

Submissions (5):

CeGaT Center for Human Genetics Tuebingen
Classification: Likely benign. Last evaluated: 2026-07-01. Review status: criteria provided, single submitter. Criteria: CeGaT Center For Human Genetics Tuebingen Variant Classification Criteria Version 2. Collection method: clinical testing. Allele origin: germline. Affected: yes. Observed: 1 variant allele.
Comment: PROS1: BS2

Labcorp Genetics (formerly Invitae), Labcorp
Classification: Benign for Thrombophilia due to protein S deficiency, autosomal recessive. Last evaluated: 2025-12-10. Review status: criteria provided, single submitter. Criteria: Invitae Variant Classification Sherloc (09022015). Collection method: clinical testing. Allele origin: germline.

Blueprint Genetics
Classification: Uncertain significance. Last evaluated: 2024-10-30. Review status: criteria provided, single submitter. Criteria: ACMG Guidelines, 2015. Collection method: clinical testing. Allele origin: germline.

CSER _CC_NCGL, University of Washington
Classification: Uncertain significance for Protein S deficiency. Last evaluated: 2014-06-01. Review status: criteria provided, single submitter. Criteria: Amendola et al. (Genome Res. 2015). Collection method: research. Allele origin: germline. Inheritance: Autosomal dominant inheritance. Study: ESP 6500 variant annotation.
Comment: Low GERP score may suggest that this variant may belong in a lower pathogenicity class

Variants classified for the Actionable exomic incidental findings in 6503 participants: challenges of variant classification manuscript

ISTH-SSC Genomics in Thrombosis and Hemostasis, KU Leuven, Center for Molecular and Vascular Biology
Classification: Uncertain significance for Protein S deficiency disease. Review status: no assertion criteria provided. Collection method: clinical testing. Allele origin: unknown. Affected: yes. Not counted in ClinVar's aggregate classification.
Comment: Submitted to GoldVariant by Prof Kathleen Freson from Center for Molecular and Vascular Biology, Leuven, Belgium